The following is an entry in ClinVar:

NM_007294.4(BRCA1):c.3569C>G (p.Pro1190Arg)

Genes: BRCA1 (BRCA1 DNA repair associated; minus strand), LOC126862571 (BRD4-independent group 4 enhancer GRCh37_chr17:41243136-41244335; plus strand). Cytogenetic location: 17q21.31.
Variant type: single nucleotide variant.
Coding change: c.3569C>G on transcript NM_007294.4 (MANE Select); coding-DNA position 3569, C replaced by G.
Protein change: p.Pro1190Arg; replaces proline 1190 with arginine.
Molecular consequence: missense variant. On other transcripts: intron variant (135).
Genome position (GRCh38, 1-based): chr17:43,091,962, G>C on the plus strand (C>G on the coding strand, the complement: BRCA1 is on the minus strand). VCF-style: chr17-43091962-G-C. GRCh37 (hg19) VCF-style: chr17-41243979-G-C.
Other names: c.575-930C>G (NM_001408490.1, NM_001408491.1, NM_001408493.1); c.455-930C>G (NM_001408502.1); c.578-930C>G (NM_001408489.1, NM_001408479.1, NM_001408482.1 and 9 more transcripts); c.662-930C>G (NM_001408445.1, NM_001408432.1, NM_001408450.1 and 6 more transcripts); c.671-930C>G (NM_001408419.1, NM_001408422.1, NM_001408418.1 and 2 more transcripts); c.668-930C>G (NM_001408431.1, NM_001408424.1, NM_001408421.1); c.785-930C>G (NM_001408407.1, NM_001408402.1, NM_001408473.1 and 13 more transcripts); c.788-930C>G (NM_001408403.1, NM_001407983.1, NM_001407975.1 and 17 more transcripts); and 41 more; short protein forms P1062R, P1063R, P1102R, P1163R, P1079R, P1120R, P1123R, P1148R.
Identifiers: ClinVar variation 3261475 (VCV003261475.1).

ClinVar aggregate classification (germline): Uncertain significance (1 of 4 stars; one submission).

Conditions:
Hereditary cancer-predisposing syndrome. Also called: Hereditary Cancer Syndrome; Tumor predisposition; Hereditary neoplastic syndrome; Neoplastic Syndromes, Hereditary. Identifiers: Orphanet 140162, MedGen C0027672, MeSH D009386, MONDO:0015356.

Submission:

Ambry Genetics
Classification: Uncertain significance for Hereditary cancer-predisposing syndrome. Last evaluated: 2024-05-02. Review status: criteria provided, single submitter. Criteria: Ambry Variant Classification Scheme 2023. Collection method: clinical testing. Allele origin: germline.
Comment: The p.P1190R variant (also known as c.3569C>G), located in coding exon 9 of the BRCA1 gene, results from a C to G substitution at nucleotide position 3569. The proline at codon 1190 is replaced by arginine, an amino acid with dissimilar properties. This amino acid position is conserved. In addition, the in silico prediction for this alteration is inconclusive. Based on the available evidence, the clinical significance of this variant remains unclear.